The following is an entry in ClinVar:

ClinVar aggregate classification (germline): Likely benign (1 of 4 stars; one submission).

Allele frequency attached by ClinVar (database versions not stated): gnomAD exomes 0.00002; gnomAD 0.00006; ExAC 0.00009; TOPMed 0.00010; ESP Exome Variant Server 0.00024.
gnomAD v4.1: 39 of 1,475,172 alleles (0.0026%); highest among the groups gnomAD compares: African/African-American, 0.007%; no homozygotes.

Submission:

CeGaT Center for Human Genetics Tuebingen
Classification: Likely benign. Last evaluated: 2023-03-01. Review status: criteria provided, single submitter. Criteria: CeGaT Center For Human Genetics Tuebingen Variant Classification Criteria Version 2. Collection method: clinical testing. Allele origin: germline. Affected: yes. Observed: 1 variant allele.
Comment: MUC5B: BP4, BP7

NM_002458.3(MUC5B):c.3069C>T (p.Cys1023=)

Gene: MUC5B (mucin 5B, oligomeric mucus/gel-forming; plus strand). Cytogenetic location: 11p15.5.
Variant type: single nucleotide variant.
Coding change: c.3069C>T on transcript NM_002458.3 (MANE Select); coding-DNA position 3069, C replaced by T.
Protein change: p.Cys1023=; no amino-acid change (cysteine 1023 retained).
Molecular consequence: synonymous variant.
Genome position (GRCh38, 1-based): chr11:1,236,936, C>T. VCF-style: chr11-1236936-C-T. GRCh37 (hg19) VCF-style: chr11-1258166-C-T.
Identifiers: ClinVar variation 2641188 (VCV002641188.24), dbSNP rs373233577, ClinGen allele CA5804937.
Genomic context (GRCh38, chr11:1,236,936, plus strand): 5'-GTGCCTGTGGCCCCAGCTCCAGGGCCCCACTCTCTCGCTGCCTCTGCAGGGCAGGGTCTG[C>T]GGCCTGTGCGGGAACTTCGACGACAATGCCATCAATGACTTTGCCACGCGTAGCCGGTCC-3'
Protein context (NP_002449.2, residues 1013-1033): RLHQDYKGRV[Cys1023=]GLCGNFDDNA